The following is an entry in ClinVar:

NM_002250.3(KCNN4):c.1063C>T (p.Arg355Trp)

Gene: KCNN4 (potassium calcium-activated channel subfamily N member 4; minus strand). Cytogenetic location: 19q13.31.
Variant type: single nucleotide variant.
Coding change: c.1063C>T on transcript NM_002250.3 (MANE Select); coding-DNA position 1063, C replaced by T.
Protein change: p.Arg355Trp; replaces arginine 355 with tryptophan.
Molecular consequence: missense variant.
Genome position (GRCh38, 1-based): chr19:43,769,019, G>A on the plus strand (C>T on the coding strand, the complement: KCNN4 is on the minus strand). VCF-style: chr19-43769019-G-A. GRCh37 (hg19) VCF-style: chr19-44273171-G-A.
Other names: short protein forms R355W.
Identifiers: ClinVar variation 3613160 (VCV003613160.2).
Genomic context (GRCh38, chr19:43,769,019, plus strand): 5'-GTACCTTGGAGATGTCCACCATGGAGTTCACTTGTTCCCGGAGCTTCCGGTGTTTCAGCC[G>A]CACCTGGCGGAACCTGTGGGAAGAAGTGGGGAGTCAGTTTTACAAGCCTGGTCCCTGAAT-3'
Protein context (NP_002241.1, residues 345-365): LAAINAFRQV[Arg355Trp]LKHRKLREQV

ClinVar aggregate classification (germline): Uncertain significance (1 of 4 stars; one submission).

Submission:

Labcorp Genetics (formerly Invitae), Labcorp
Classification: Uncertain significance. Last evaluated: 2024-02-06. Review status: criteria provided, single submitter. Criteria: Invitae Variant Classification Sherloc (09022015). Collection method: clinical testing. Allele origin: germline.
Comment: This sequence change replaces arginine, which is basic and polar, with tryptophan, which is neutral and slightly polar, at codon 355 of the KCNN4 protein (p.Arg355Trp). This variant is not present in population databases (gnomAD no frequency). This variant has not been reported in the literature in individuals affected with KCNN4-related conditions. Advanced modeling of protein sequence and biophysical properties (such as structural, functional, and spatial information, amino acid conservation, physicochemical variation, residue mobility, and thermodynamic stability) performed at Invitae indicates that this missense variant is expected to disrupt KCNN4 protein function with a positive predictive value of 80%. In summary, the available evidence is currently insufficient to determine the role of this variant in disease. Therefore, it has been classified as a Variant of Uncertain Significance.